The following is an entry in ClinVar:

NM_017934.7(PHIP):c.4385A>T (p.Lys1462Ile)

Genes: IRAK1BP1 (interleukin 1 receptor associated kinase 1 binding protein 1; plus strand), PHIP (PHIP subunit of CUL4-Ring ligase complex; minus strand). Cytogenetic location: 6q14.1.
Variant type: single nucleotide variant.
Coding change: c.4385A>T on transcript NM_017934.7 (MANE Select); coding-DNA position 4385, A replaced by T.
Protein change: p.Lys1462Ile; replaces lysine 1462 with isoleucine.
Molecular consequence: missense variant.
Genome position (GRCh38, 1-based): chr6:78,946,246, T>A on the plus strand (A>T on the coding strand, the complement: PHIP is on the minus strand). VCF-style: chr6-78946246-T-A. GRCh37 (hg19) VCF-style: chr6-79655963-T-A.
Other names: short protein forms K1462I.
Identifiers: ClinVar variation 4795708 (VCV004795708.1).
Genomic context (GRCh38, chr6:78,946,246, plus strand): 5'-GTAGGTGTAGAGAATGCAGAGGTAGAGCTTTCTGATTTTAGCTGGGGTTTTAAGATCCTT[T>A]TTTTCCTTTCAGGGCTGTAAATAAAATAGTATTGTCAGTCACTCTTATAGCTCTATGTGA-3'
Protein context (NP_060404.4, residues 1452-1472): SSAASSPERK[Lys1462Ile]RILKPQLKSE

ClinVar aggregate classification (germline): Uncertain significance (1 of 4 stars; one submission).

Submission:

GeneDx
Classification: Uncertain significance. Last evaluated: 2025-08-13. Review status: criteria provided, single submitter. Criteria: GeneDx Variant Classification Process June 2021. Collection method: clinical testing. Allele origin: germline. Affected: yes.
Comment: Not observed at significant frequency in large population cohorts (gnomAD); In silico analysis supports that this missense variant has a deleterious effect on protein structure/function; Has not been previously published as pathogenic or benign to our knowledge